The following is an entry in ClinVar:

ClinVar aggregate classification (germline): Benign (1 of 4 stars; one submission).

Submission:

Biesecker Lab/Clinical Genomics Section, National Institutes of Health
Classification: Benign. Last evaluated: 2013-06-24. Review status: criteria provided, single submitter. Criteria: Ng et al. (Circ Cardiovasc Genet. 2013). Collection method: research. Allele origin: unknown. Observed: 184 variant alleles. Study: ClinSeq.
Comment: The study set was not selected for affection status in relation to any cancer. Pathogenicity categories were based on literature curation. See Pubmed ID:23861362 for details.

Medical sequencing

NM_001267550.2(TTN):c.59584C>T (p.Pro19862Ser)

Genes: TTN (titin; minus strand), TTN-AS1 (TTN antisense RNA 1; plus strand), LOC126806424 (CDK7 strongly-dependent group 2 enhancer GRCh37_chr2:179456337-179457536; plus strand). Cytogenetic location: 2q31.2.
Variant type: single nucleotide variant.
Coding change: c.59584C>T on transcript NM_001267550.2 (MANE Select); coding-DNA position 59584, C replaced by T.
Protein change: p.Pro19862Ser; replaces proline 19862 with serine.
Molecular consequence: missense variant.
Genome position (GRCh38, 1-based): chr2:178,592,421, G>A on the plus strand (C>T on the coding strand, the complement: TTN is on the minus strand). VCF-style: chr2-178592421-G-A. GRCh37 (hg19) VCF-style: chr2-179457148-G-A.
Other names: c.54661C>T, p.Pro18221Ser (NM_001256850.1); c.32389C>T, p.Pro10797Ser (NM_003319.4); c.51880C>T, p.Pro17294Ser (NM_133378.4); c.32764C>T, p.Pro10922Ser (NM_133432.3); c.32965C>T, p.Pro10989Ser (NM_133437.4); short protein forms P17294S, P19862S, P10922S, P10989S, P10797S, P18221S.
Identifiers: ClinVar variation 192210 (VCV000192210.1), dbSNP rs786205335, ClinGen allele CA200094.
Genomic context (GRCh38, chr2:178,592,421, plus strand): 5'-AAGTAGTAAAATTCTTACCTAATACAAGTACTTTTACTGAGACAGTTTTTGAACCAGCTG[G>A]ATTCTCCACTGTTAAAGAATAAATTCCACCATCTTCATGGGCAGCATTACGAATTTCAAG-3'
Protein context (NP_001254479.2, residues 19852-19872): GGIYSLTVEN[Pro19862Ser]AGSKTVSVKV